The following is an entry in ClinVar:

ClinVar aggregate classification (germline): Uncertain significance (1 of 4 stars; one submission).

Allele frequency attached by ClinVar (database versions not stated): gnomAD exomes below 0.00001; gnomAD 0.00001.
gnomAD v4.1: 3 of 1,609,788 alleles (0.00019%); highest among the groups gnomAD compares: Non-Finnish European, 0.00025%; no homozygotes.

Submission:

Labcorp Genetics (formerly Invitae), Labcorp
Classification: Uncertain significance. Last evaluated: 2024-01-29. Review status: criteria provided, single submitter. Criteria: Invitae Variant Classification Sherloc (09022015). Collection method: clinical testing. Allele origin: germline.
Comment: This sequence change replaces methionine, which is neutral and non-polar, with threonine, which is neutral and polar, at codon 35 of the NFKB1 protein (p.Met35Thr). This variant is present in population databases (no rsID available, gnomAD 0.007%). This variant has not been reported in the literature in individuals affected with NFKB1-related conditions. ClinVar contains an entry for this variant (Variation ID: 1386528). An algorithm developed to predict the effect of missense changes on protein structure and function (PolyPhen-2) suggests that this variant is likely to be tolerated. Experimental studies have shown that this missense change does not substantially affect NFKB1 function (PMID: 34473196). In summary, the available evidence is currently insufficient to determine the role of this variant in disease. Therefore, it has been classified as a Variant of Uncertain Significance.

Literature cited by the submitters: PubMed 34473196.

NM_003998.4(NFKB1):c.104T>C (p.Met35Thr)

Gene: NFKB1 (nuclear factor kappa B subunit 1; plus strand). Cytogenetic location: 4q24.
Variant type: single nucleotide variant.
Coding change: c.104T>C on transcript NM_003998.4 (MANE Select); coding-DNA position 104, T replaced by C.
Protein change: p.Met35Thr; replaces methionine 35 with threonine.
Molecular consequence: missense variant.
Genome position (GRCh38, 1-based): chr4:102,529,900, T>C. VCF-style: chr4-102529900-T-C. GRCh37 (hg19) VCF-style: chr4-103451057-T-C.
Other names: c.104T>C, p.Met35Thr (NM_001165412.2, NM_001319226.2, NM_001382625.1 and 2 more transcripts); c.65T>C, p.Met22Thr (NM_001382628.1); short protein forms M22T, M35T.
Identifiers: ClinVar variation 1386528 (VCV001386528.6), dbSNP rs1382519896, ClinGen allele CA357957449.